The following is an entry in ClinVar:

NM_001127671.2(LIFR):c.342del (p.Leu115fs)

Gene: LIFR (LIF receptor subunit alpha; minus strand). Cytogenetic location: 5p13.1.
Variant type: Deletion.
Coding change: c.342del on transcript NM_001127671.2 (MANE Select); coding-DNA position 342, one base deleted (T; older notation c.342delT).
Protein change: p.Leu115fs; shifts the reading frame from leucine 115.
Molecular consequence: frameshift variant.
Genome position (GRCh38, 1-based): chr5:38,527,210, A deleted on the plus strand (T on the coding strand, the reverse complement: LIFR is on the minus strand). VCF-style (leftmost placement, unchanged base first): chr5-38527209-GA-G. GRCh37 (hg19) VCF-style: chr5-38527311-GA-G.
Other names: c.342del, p.Leu115fs (NM_001364297.2, NM_001364298.2, NM_002310.6); short protein forms L115fs.
Identifiers: ClinVar variation 4069864 (VCV004069864.2).
Genomic context (GRCh38, chr5:38,527,209, plus strand): 5'-ACTTACAAACGTTTTGTTCATTTAGTGTGAATTTACTTGTAGAACTTCCAAAATCATGTA[GA>G]GAATTTATTGTTATTTCATAATCACCATGTGAAAGAGCTGGAATTTTAATACTGGTTTTC-3'

ClinVar aggregate classification (germline): Likely pathogenic (1 of 4 stars; one submission).

Conditions:
Stuve-Wiedemann syndrome (STWS). Also called: Stüve-Wiedemann syndrome. Identifiers: Orphanet 3206, MedGen C0796176, MONDO:0031280.

Submission:

Natera, Inc.
Classification: Likely pathogenic for Stuve-Wiedemann syndrome. Last evaluated: 2025-05-29. Review status: criteria provided, single submitter. Criteria: Natera Variant Classification Schema (03/2026). Collection method: clinical testing. Allele origin: germline.
Comment: The c.342del variant in LIFR is a frameshift variant predicted to shift the reading frame beginning at codon 115 and leads to a stop codon 13 codons downstream. This variant is expected to result in nonsense mediated decay, truncation, or a dysfunctional protein product. This variant is rare in the general population with a frequency below the threshold expected for the associated phenotype(s). Given the available evidence, this variant is classified as Likely Pathogenic.